The following is an entry in ClinVar:

ClinVar aggregate classification (germline): Uncertain significance (1 of 4 stars; one submission).

Submission:

Laboratory for Molecular Medicine, Mass General Brigham Personalized Medicine
Classification: Uncertain significance. Last evaluated: 2018-12-04. Review status: criteria provided, single submitter. Criteria: LMM Criteria. Collection method: clinical testing. Allele origin: germline. Observed: 1 variant allele.
Comment: The p.Ile1850Ser variant in TECTA has not been previously reported in individual s with hearing loss and was absent from large population studies. Computational prediction tools and conservation analysis suggest that this variant may impact the protein, though this information is not predictive enough to determine patho genicity. In summary, the clinical significance of the p.Ile1850Ser variant is u ncertain. ACMG/AMP Criteria applied: PM2, PP3.

NM_005422.4(TECTA):c.5549T>G (p.Ile1850Ser)

Genes: TBCEL-TECTA (TBCEL-TECTA readthrough; plus strand), TECTA (tectorin alpha; plus strand). Cytogenetic location: 11q23.3.
Variant type: single nucleotide variant.
Coding change: c.5549T>G on transcript NM_005422.4 (MANE Select); coding-DNA position 5549, T replaced by G.
Protein change: p.Ile1850Ser; replaces isoleucine 1850 with serine.
Molecular consequence: missense variant.
Genome position (GRCh38, 1-based): chr11:121,166,743, T>G. VCF-style: chr11-121166743-T-G. GRCh37 (hg19) VCF-style: chr11-121037452-T-G.
Other names: c.6491T>G, p.Ile2164Ser (NM_001378761.1); short protein forms I1850S, I2164S.
Identifiers: ClinVar variation 667335 (VCV000667335.4), dbSNP rs1591463453, ClinGen allele CA383034826.